The following is an entry in ClinVar:

NM_014112.5(TRPS1):c.3725dup (p.Met1242fs)

Gene: TRPS1 (transcriptional repressor GATA binding 1; minus strand). Cytogenetic location: 8q23.3.
Variant type: Duplication.
Coding change: c.3725dup on transcript NM_014112.5 (MANE Select); coding-DNA position 3725, one base duplicated (T; older notation c.3725dupT).
Protein change: p.Met1242fs; shifts the reading frame from methionine 1242.
Molecular consequence: frameshift variant.
Genome position (GRCh38, 1-based): chr8:115,414,183, A duplicated on the plus strand (T on the coding strand, the reverse complement: TRPS1 is on the minus strand). VCF-style (leftmost placement, unchanged base first): chr8-115414182-C-CA. GRCh37 (hg19) VCF-style: chr8-116426410-C-CA.
Other names: c.3698dup, p.Met1233fs (NM_001282902.3); c.3704dup, p.Met1235fs (NM_001282903.3); c.3686dup, p.Met1229fs (NM_001330599.2); short protein forms M1229fs, M1233fs, M1242fs, M1235fs.
Identifiers: ClinVar variation 2941205 (VCV002941205.3), dbSNP rs2536580802, ClinGen allele CA2740095130.
Genomic context (GRCh38, chr8:115,414,182, plus strand): 5'-CTGGCATATGCTGCACTGGAAAGGTCCACTGTCACCATGGCAACTCATATGCAAAGCATA[C>CA]ATCACTTCATCCAGAAAGACAATGCCACAGTGCACACATTTTGTTGAAAGTTCATCTTGA-3'

ClinVar aggregate classification (germline): Uncertain significance (1 of 4 stars; one submission).

Conditions:
Trichorhinophalangeal dysplasia type I (TRPS1). Also called: TRICHORHINOPHALANGEAL SYNDROME, TYPE I; TRPS I. Identifiers: Orphanet 77258, MedGen C0432233, MONDO:0008596, OMIM 190350.
Trichorhinophalangeal syndrome, type III (TRPS3). Also called: SUGIO-KAJII SYNDROME. Identifiers: Orphanet 77258, MedGen C1860823, OMIM 190351, MONDO:0008597.

Submission:

Labcorp Genetics (formerly Invitae), Labcorp
Classification: Uncertain significance for Trichorhinophalangeal syndrome, type III; Trichorhinophalangeal dysplasia type I. Last evaluated: 2022-11-01. Review status: criteria provided, single submitter. Criteria: Invitae Variant Classification Sherloc (09022015). Collection method: clinical testing. Allele origin: germline.
Comment: In summary, the available evidence is currently insufficient to determine the role of this variant in disease. Therefore, it has been classified as a Variant of Uncertain Significance. This variant disrupts a region of the TRPS1 protein in which other variant(s) (p.His1250Pro) have been observed in individuals with TRPS1-related conditions (Invitae). This suggests that this is a clinically significant region of the protein, and that variants that disrupt it are likely to be disease-causing. This premature translational stop signal has been observed in individual(s) with tricho-rhino-phalangeal syndrome (Invitae). This variant is not present in population databases (gnomAD no frequency). This sequence change creates a premature translational stop signal (p.Met1242Ilefs*11) in the TRPS1 gene. While this is not anticipated to result in nonsense mediated decay, it is expected to disrupt the last 53 amino acid(s) of the TRPS1 protein.